The following is an entry in ClinVar:

ClinVar aggregate classification (germline): Uncertain significance (1 of 4 stars; one submission).

Conditions:
DNA ligase IV deficiency. Identifiers: Orphanet 99812, MedGen C1847827, MONDO:0011686, OMIM 606593.

Submission:

Labcorp Genetics (formerly Invitae), Labcorp
Classification: Uncertain significance for DNA ligase IV deficiency. Last evaluated: 2025-01-18. Review status: criteria provided, single submitter. Criteria: Invitae Variant Classification Sherloc (09022015). Collection method: clinical testing. Allele origin: germline.
Comment: This sequence change replaces leucine, which is neutral and non-polar, with isoleucine, which is neutral and non-polar, at codon 72 of the LIG4 protein (p.Leu72Ile). This variant is not present in population databases (gnomAD no frequency). This variant has not been reported in the literature in individuals affected with LIG4-related conditions. Invitae Evidence Modeling of protein sequence and biophysical properties (such as structural, functional, and spatial information, amino acid conservation, physicochemical variation, residue mobility, and thermodynamic stability) has been performed for this missense variant. However, the output from this modeling did not meet the statistical confidence thresholds required to predict the impact of this variant on LIG4 protein function. In summary, the available evidence is currently insufficient to determine the role of this variant in disease. Therefore, it has been classified as a Variant of Uncertain Significance.

NM_206937.2(LIG4):c.214C>A (p.Leu72Ile)

Gene: LIG4 (DNA ligase 4; minus strand). Cytogenetic location: 13q33.3.
Variant type: single nucleotide variant.
Coding change: c.214C>A on transcript NM_206937.2 (MANE Select); coding-DNA position 214, C replaced by A.
Protein change: p.Leu72Ile; replaces leucine 72 with isoleucine.
Molecular consequence: missense variant.
Genome position (GRCh38, 1-based): chr13:108,211,055, G>T on the plus strand (C>A on the coding strand, the complement: LIG4 is on the minus strand). VCF-style: chr13-108211055-G-T. GRCh37 (hg19) VCF-style: chr13-108863403-G-T.
Other names: c.214C>A, p.Leu72Ile (NM_001098268.2, NM_001352598.2, NM_001352599.2 and 6 more transcripts); c.13C>A, p.Leu5Ile (NM_001330595.2); c.250C>A, p.Leu84Ile (NM_001352604.2); short protein forms L5I, L72I, L84I.
Identifiers: ClinVar variation 3719540 (VCV003719540.2).